The following is an entry in ClinVar:

NM_004655.4(AXIN2):c.1712+8C>T

Gene: AXIN2 (axin 2; minus strand). Cytogenetic location: 17q24.1.
Variant type: single nucleotide variant.
Coding change: c.1712+8C>T on transcript NM_004655.4 (MANE Select); 8 bases into the intron after coding-DNA position 1712, C replaced by T.
Molecular consequence: intron variant.
Genome position (GRCh38, 1-based): chr17:65,537,316, G>A on the plus strand (C>T on the coding strand, the complement: AXIN2 is on the minus strand). VCF-style: chr17-65537316-G-A. GRCh37 (hg19) VCF-style: chr17-63533434-G-A.
Other names: c.1712+8C>T (NM_001363813.1).
Identifiers: ClinVar variation 1666902 (VCV001666902.9), dbSNP rs1334364807, ClinGen allele CA627152080.

ClinVar aggregate classification (germline): Likely benign. Review status: criteria provided, multiple submitters, no conflicts (2 of 4 stars). 2 submissions from 2 submitters: Likely benign (2). Last evaluated 2025-02-09.

Conditions:
Oligodontia-cancer predisposition syndrome. Also called: TOOTH AGENESIS-COLORECTAL CANCER SYNDROME. Identifiers: Orphanet 300576, MedGen C1837750, MONDO:0012075, OMIM 608615. Disease mechanism: loss of function.

Allele frequency attached by ClinVar (database versions not stated): gnomAD exomes below 0.00001 and 0.00001.

Submissions (2):

Labcorp Genetics (formerly Invitae), Labcorp
Classification: Likely benign for Oligodontia-cancer predisposition syndrome. Last evaluated: 2025-02-09. Review status: criteria provided, single submitter. Criteria: Invitae Variant Classification Sherloc (09022015). Collection method: clinical testing. Allele origin: germline.

Myriad Genetics, Inc.
Classification: Likely benign for Oligodontia-cancer predisposition syndrome. Last evaluated: 2024-07-08. Review status: criteria provided, single submitter. Criteria: Myriad Autosomal Dominant, Autosomal Recessive and X-Linked Classification Criteria (2023). Collection method: clinical testing. Allele origin: unknown.
Comment: This variant is considered likely benign. This variant is intronic and is not expected to impact mRNA splicing.